The following is an entry in ClinVar:

NM_013254.4(TBK1):c.1001T>C (p.Ile334Thr)

Gene: TBK1 (TANK binding kinase 1; plus strand). Cytogenetic location: 12q14.2.
Variant type: single nucleotide variant.
Coding change: c.1001T>C on transcript NM_013254.4 (MANE Select); coding-DNA position 1001, T replaced by C.
Protein change: p.Ile334Thr; replaces isoleucine 334 with threonine.
Molecular consequence: missense variant.
Genome position (GRCh38, 1-based): chr12:64,484,311, T>C. VCF-style: chr12-64484311-T-C. GRCh37 (hg19) VCF-style: chr12-64878091-T-C.
Other names: short protein forms I334T.
Identifiers: ClinVar variation 3900211 (VCV003900211.1).

ClinVar aggregate classification (germline): Uncertain significance (1 of 4 stars; one submission).

gnomAD v4.1: 7 of 1,608,570 alleles (0.00044%); highest among the groups gnomAD compares: East Asian, 0.0067%; no homozygotes.

Submission:

GeneDx
Classification: Uncertain significance. Last evaluated: 2024-11-22. Review status: criteria provided, single submitter. Criteria: GeneDx Variant Classification Process June 2021. Collection method: clinical testing. Allele origin: germline. Affected: yes.
Comment: Reported in one proband in published literature with frontotemporal dementia and three probands with amyotrophic lateral sclerosis (ALS), but familial segregation information was not provided and one of these probands had a pathogenic variant in another gene associated with ALS (PMID: 27260353, 30672142, 37422901); In a case control study, this variant was identified in 0/1354 alleles in cohort of patients with ALS but was seen in 1/576 controls (PMID: 32893041); Published functional studies demonstrate a damaging effect: reduced mRNA and protein expression and reduced enzymatic activity (PMID: 30672142); In silico analysis indicates that this missense variant does not alter protein structure/function; This variant is associated with the following publications: (PMID: 36113750, 30672142, 33538206, 35845111, 27260353, 37422901, 32893041)